The following is an entry in ClinVar:

NM_152263.4(TPM3):c.775+4T>C

Gene: TPM3 (tropomyosin 3; minus strand). Cytogenetic location: 1q21.3.
Variant type: single nucleotide variant.
Coding change: c.775+4T>C on transcript NM_152263.4 (MANE Select); 4 bases into the intron after coding-DNA position 775, T replaced by C.
Molecular consequence: intron variant.
Genome position (GRCh38, 1-based): chr1:154,170,396, A>G on the plus strand (T>C on the coding strand, the complement: TPM3 is on the minus strand). VCF-style: chr1-154170396-A-G. GRCh37 (hg19) VCF-style: chr1-154142872-A-G.
Other names: c.775+4T>C (NM_001364679.2, NM_001364681.2, NM_001364680.2 and 1 more transcripts); c.466+4T>C (NM_001278188.2); c.664+4T>C (NM_001043351.2, NM_001043353.2, NM_001349679.2 and 4 more transcripts); c.601+4T>C (NM_001278190.2); c.394+4T>C (NM_001278191.2).
Identifiers: ClinVar variation 3759401 (VCV003759401.2).

ClinVar aggregate classification (germline): Uncertain significance (1 of 4 stars; one submission).

Conditions:
Congenital myopathy 4B, autosomal recessive. Also called: Nemaline myopathy 1, autosomal dominant or recessive. Identifiers: Orphanet 171433, Orphanet 171439, Orphanet 171881, MedGen C5829889, MONDO:0012239, OMIM 609284.
Congenital myopathy with fiber type disproportion. Also called: Congenital fiber-type disproportion; Congenital fiber-type disproportion myopathy. Identifiers: Orphanet 2020, MedGen C0546264, MONDO:0009711. Inheritance: all.

gnomAD v4.1: 6 of 1,614,108 alleles (0.00037%); highest among the groups gnomAD compares: Non-Finnish European, 0.00051%; no homozygotes.

Submission:

Labcorp Genetics (formerly Invitae), Labcorp
Classification: Uncertain significance for Congenital myopathy with fiber type disproportion; Congenital myopathy 4B, autosomal recessive. Last evaluated: 2025-10-01. Review status: criteria provided, single submitter. Criteria: Invitae Variant Classification Sherloc (09022015). Collection method: clinical testing. Allele origin: germline.
Comment: This sequence change falls in intron 8 of the TPM3 gene. It does not directly change the encoded amino acid sequence of the TPM3 protein. It affects a nucleotide within the consensus splice site. This variant is not present in population databases (gnomAD no frequency). This variant has not been reported in the literature in individuals affected with TPM3-related conditions. ClinVar contains an entry for this variant (Variation ID: 3759401). Variants that disrupt the consensus splice site are a relatively common cause of aberrant splicing (PMID: 17576681, 9536098). Algorithms developed to predict the effect of sequence changes on RNA splicing suggest that this variant is not likely to affect RNA splicing. In summary, the available evidence is currently insufficient to determine the role of this variant in disease. Therefore, it has been classified as a Variant of Uncertain Significance.

Literature cited by the submitters: PubMed 17576681; PubMed 9536098.